The following is an entry in ClinVar:

NM_005188.4(CBL):c.747+4G>A

Gene: CBL (Cbl proto-oncogene; plus strand). Cytogenetic location: 11q23.3.
Variant type: single nucleotide variant.
Coding change: c.747+4G>A on transcript NM_005188.4 (MANE Select); 4 bases into the intron after coding-DNA position 747, G replaced by A.
Molecular consequence: intron variant.
Genome position (GRCh38, 1-based): chr11:119,274,028, G>A. VCF-style: chr11-119274028-G-A. GRCh37 (hg19) VCF-style: chr11-119144738-G-A.
Identifiers: ClinVar variation 3708864 (VCV003708864.2).

ClinVar aggregate classification (germline): Uncertain significance (1 of 4 stars; one submission).

Conditions:
RASopathy. Also called: rasopathies; Noonan spectrum disorder. Identifiers: Orphanet 536391, MedGen C5555857, MONDO:0021060.

Submission:

Labcorp Genetics (formerly Invitae), Labcorp
Classification: Uncertain significance for RASopathy. Last evaluated: 2024-09-29. Review status: criteria provided, single submitter. Criteria: Invitae Variant Classification Sherloc (09022015). Collection method: clinical testing. Allele origin: germline.
Comment: This sequence change falls in intron 4 of the CBL gene. It does not directly change the encoded amino acid sequence of the CBL protein. It affects a nucleotide within the consensus splice site. This variant is not present in population databases (gnomAD no frequency). This variant has not been reported in the literature in individuals affected with CBL-related conditions. Variants that disrupt the consensus splice site are a relatively common cause of aberrant splicing (PMID: 17576681, 9536098). Algorithms developed to predict the effect of sequence changes on RNA splicing suggest that this variant is not likely to affect RNA splicing. In summary, the available evidence is currently insufficient to determine the role of this variant in disease. Therefore, it has been classified as a Variant of Uncertain Significance.

Literature cited by the submitters: PubMed 17576681; PubMed 9536098.